The following is an entry in ClinVar:

NM_007327.4(GRIN1):c.296A>T (p.Asn99Ile)

Gene: GRIN1 (glutamate ionotropic receptor NMDA type subunit 1; plus strand). Cytogenetic location: 9q34.3.
Variant type: single nucleotide variant.
Coding change: c.296A>T on transcript NM_007327.4 (MANE Select); coding-DNA position 296, A replaced by T.
Protein change: p.Asn99Ile; replaces asparagine 99 with isoleucine.
Molecular consequence: missense variant.
Genome position (GRCh38, 1-based): chr9:137,142,050, A>T. VCF-style: chr9-137142050-A-T. GRCh37 (hg19) VCF-style: chr9-140036502-A-T.
Other names: c.296A>T, p.Asn99Ile (NM_000832.7, NM_001185090.2, NM_001185091.2 and 1 more transcripts); short protein forms N99I.
Identifiers: ClinVar variation 4032378 (VCV004032378.3).

ClinVar aggregate classification (germline): Uncertain significance. Review status: criteria provided, multiple submitters, no conflicts (2 of 4 stars). 2 submissions from 2 submitters: Uncertain significance (2). Last evaluated 2025-05-21.

Conditions:
Inborn genetic diseases. Identifiers: MedGen C0950123, MeSH D030342.

Submissions (2):

Ambry Genetics
Classification: Uncertain significance for Inborn genetic diseases. Last evaluated: 2025-05-21. Review status: criteria provided, single submitter. Criteria: Ambry Variant Classification Scheme 2023. Collection method: clinical testing. Allele origin: germline.

Dasa
Classification: Uncertain significance. Last evaluated: 2024-11-30. Review status: criteria provided, single submitter. Criteria: DASA Assertion Criteria. Collection method: clinical testing. Allele origin: germline.
Comment: NM_007327.4(GRIN1):c.296A>T (p.Asn99Ile) is a missense variant that results in the substitution of asparagine with isoleucine. This variant is absent from population databases. The currently available literature and clinical evidence are not sufficient to establish a definitive association between this variant and the reported condition. Therefore, this variant is classified as a variant of uncertain significance.